The following is an entry in ClinVar:

ClinVar aggregate classification (germline): Likely pathogenic (1 of 4 stars; one submission).

Conditions:
Iron-refractory iron deficiency anemia (IRIDA). Also called: ANEMIA, HYPOCHROMIC MICROCYTIC, WITH DEFECT IN IRON METABOLISM; IRIDA syndrome; PSEUDO-IRON-DEFICIENCY ANEMIA; IRON-HANDLING DISORDER, HEREDITARY. Identifiers: Orphanet 209981, MedGen C0085576, MONDO:0008788, OMIM 206200. Disease mechanism: loss of function.

gnomAD v4.1: 3 of 1,612,454 alleles (0.00019%); highest among the groups gnomAD compares: Non-Finnish European, 0.00025%; no homozygotes.

Submission:

Laboratory of Medical Genetics, National & Kapodistrian University of Athens
Classification: Likely pathogenic for Iron-refractory iron deficiency anemia. Last evaluated: 2021-10-05. Review status: criteria provided, single submitter. Criteria: ACMG Guidelines, 2015. Collection method: clinical testing. Allele origin: unknown. Affected: yes.
Comment: PM2, PP2, PP3, PP4

NM_001374504.1(TMPRSS6):c.1547G>A (p.Cys516Tyr)

Gene: TMPRSS6 (transmembrane serine protease 6; minus strand). Cytogenetic location: 22q12.3.
Variant type: single nucleotide variant.
Coding change: c.1547G>A on transcript NM_001374504.1 (MANE Select); coding-DNA position 1547, G replaced by A.
Protein change: p.Cys516Tyr; replaces cysteine 516 with tyrosine.
Molecular consequence: missense variant.
Genome position (GRCh38, 1-based): chr22:37,073,540, C>T on the plus strand (G>A on the coding strand, the complement: TMPRSS6 is on the minus strand). VCF-style: chr22-37073540-C-T. GRCh37 (hg19) VCF-style: chr22-37469580-C-T.
Other names: c.1547G>A, p.Cys516Tyr (NM_001289000.2, NM_001289001.2, NM_153609.4); short protein forms C516Y.
Identifiers: ClinVar variation 1299579 (VCV001299579.1), dbSNP rs2146057214, ClinGen allele CA411420690.